The following is an entry in ClinVar:

ClinVar aggregate classification (germline): Likely benign (1 of 4 stars; one submission).

Submission:

CeGaT Center for Human Genetics Tuebingen
Classification: Likely benign. Last evaluated: 2024-01-01. Review status: criteria provided, single submitter. Criteria: CeGaT Center For Human Genetics Tuebingen Variant Classification Criteria Version 2. Collection method: clinical testing. Allele origin: germline. Affected: yes. Observed: 1 variant allele.
Comment: FGFR1: PM2:Supporting, BP4, BP7

NM_023110.3(FGFR1):c.2328C>T (p.Tyr776=)

Gene: FGFR1 (fibroblast growth factor receptor 1; minus strand). Cytogenetic location: 8p11.23.
Variant type: single nucleotide variant.
Coding change: c.2328C>T on transcript NM_023110.3 (MANE Select); coding-DNA position 2328, C replaced by T.
Protein change: p.Tyr776=; no amino-acid change (tyrosine 776 retained).
Molecular consequence: synonymous variant. On other transcripts: intron variant (3).
Genome position (GRCh38, 1-based): chr8:38,413,769, G>A on the plus strand (C>T on the coding strand, the complement: FGFR1 is on the minus strand). VCF-style: chr8-38413769-G-A. GRCh37 (hg19) VCF-style: chr8-38271287-G-A.
Other names: c.2286+149C>T (NM_001354367.2); c.2280+149C>T (NM_001354369.2); c.2328C>T, p.Tyr776= (NM_000604.2); c.2322C>T, p.Tyr774= (NM_001174063.2, NM_001174065.2, NM_015850.4); c.2298C>T, p.Tyr766= (NM_001174064.2); c.2061C>T, p.Tyr687= (NM_001174066.2, NM_023105.3); c.2421C>T, p.Tyr807= (NM_001174067.2); c.2049C>T, p.Tyr683= (NM_001354368.2); and 3 more.
Identifiers: ClinVar variation 3027170 (VCV003027170.22), dbSNP rs1330993385, ClinGen allele CA460499092.
Genomic context (GRCh38, chr8:38,413,769, plus strand): 5'-GAAGACGGAATCCTCCCCTGAGGAGCACGTAGAGCTCCGGGTGTCGGGAAAGCTGGGGGA[G>A]TACTGGTCCAGGGGCATGGACAGGTCCAGGTACTCCTGTGATGGGCGAGAGGAAGCAGCG-3'
Protein context (NP_075598.2, residues 766-786): YLDLSMPLDQ[Tyr776=]SPSFPDTRSS